The following is an entry in ClinVar:

NM_000742.4(CHRNA2):c.74-341C>A

Gene: CHRNA2 (cholinergic receptor nicotinic alpha 2 subunit; minus strand). Cytogenetic location: 8p21.2.
Variant type: single nucleotide variant.
Coding change: c.74-341C>A on transcript NM_000742.4 (MANE Select); 341 bases into the intron before coding-DNA position 74, C replaced by A.
Molecular consequence: intron variant.
Genome position (GRCh38, 1-based): chr8:27,470,322, G>T on the plus strand (C>A on the coding strand, the complement: CHRNA2 is on the minus strand). VCF-style: chr8-27470322-G-T. GRCh37 (hg19) VCF-style: chr8-27327839-G-T.
Other names: c.-354-341C>A (NM_001347705.2); c.74-341C>A (NM_001282455.2); c.-388-341C>A (NM_001347708.2); c.-399-341C>A (NM_001347706.2); c.-340-341C>A (NM_001347707.2).
Identifiers: ClinVar variation 668809 (VCV000668809.1), dbSNP rs2565063, ClinGen allele CA12877545.

ClinVar aggregate classification (germline): Benign (1 of 4 stars; one submission).

Allele frequency attached by ClinVar (database versions not stated): TOPMed 0.17637; 1000 Genomes Project 30x 0.23938; 1000 Genomes Project 0.24002.
gnomAD v4.1: 26,258 of 151,996 alleles (17%); highest among the groups gnomAD compares: East Asian, 44%; 2,600 homozygotes.

Submission:

GeneDx
Classification: Benign. Last evaluated: 2018-06-18. Review status: criteria provided, single submitter. Criteria: GeneDx Variant Classification (06012015). Collection method: clinical testing. Allele origin: germline. Affected: yes.
Comment: This variant is considered likely benign or benign based on one or more of the following criteria: it is a conservative change, it occurs at a poorly conserved position in the protein, it is predicted to be benign by multiple in silico algorithms, and/or has population frequency not consistent with disease.